The following is an entry in ClinVar:

ClinVar aggregate classification (germline): Uncertain significance (1 of 4 stars; one submission).

Conditions:
Joubert syndrome. Also called: CEREBELLOPARENCHYMAL DISORDER IV; JOUBERT-BOLTSHAUSER SYNDROME; Familial aplasia of the vermis. Identifiers: Orphanet 475, MedGen C5979921, MONDO:0018772.
Meckel-Gruber syndrome. Also called: DYSENCEPHALIA SPLANCHNOCYSTICA; GRUBER SYNDROME; Dysencephalia splachnocystica. Identifiers: Orphanet 564, MedGen C0265215, MONDO:0018921.

Submission:

Labcorp Genetics (formerly Invitae), Labcorp
Classification: Uncertain significance for Joubert syndrome; Meckel-Gruber syndrome. Last evaluated: 2021-12-06. Review status: criteria provided, single submitter. Criteria: Invitae Variant Classification Sherloc (09022015). Collection method: clinical testing. Allele origin: germline.
Comment: This sequence change replaces glycine, which is neutral and non-polar, with glutamic acid, which is acidic and polar, at codon 551 of the TMEM67 protein (p.Gly551Glu). This variant is not present in population databases (gnomAD no frequency). This variant has not been reported in the literature in individuals affected with TMEM67-related conditions. Advanced modeling of protein sequence and biophysical properties (such as structural, functional, and spatial information, amino acid conservation, physicochemical variation, residue mobility, and thermodynamic stability) performed at Invitae indicates that this missense variant is expected to disrupt TMEM67 protein function. In summary, the available evidence is currently insufficient to determine the role of this variant in disease. Therefore, it has been classified as a Variant of Uncertain Significance.

NM_153704.6(TMEM67):c.1652G>A (p.Gly551Glu)

Gene: TMEM67 (transmembrane protein 67; plus strand). Cytogenetic location: 8q22.1.
Variant type: single nucleotide variant.
Coding change: c.1652G>A on transcript NM_153704.6 (MANE Select); coding-DNA position 1652, G replaced by A.
Protein change: p.Gly551Glu; replaces glycine 551 with glutamic acid.
Molecular consequence: missense variant. On other transcripts: non-coding transcript variant (1).
Genome position (GRCh38, 1-based): chr8:93,793,274, G>A. VCF-style: chr8-93793274-G-A. GRCh37 (hg19) VCF-style: chr8-94805502-G-A.
Other names: c.1409G>A, p.Gly470Glu (NM_001142301.1); short protein forms G470E, G551E.
Identifiers: ClinVar variation 1395575 (VCV001395575.6), dbSNP rs2130719408, ClinGen allele CA371691410.